The following is an entry in ClinVar:

NM_000238.4(KCNH2):c.2398+16C>T

Gene: KCNH2 (potassium voltage-gated channel subfamily H member 2; minus strand). Cytogenetic location: 7q36.1.
Variant type: single nucleotide variant.
Coding change: c.2398+16C>T on transcript NM_000238.4 (MANE Select); 16 bases into the intron after coding-DNA position 2398, C replaced by T.
Molecular consequence: intron variant. On other transcripts: missense variant (5).
Genome position (GRCh38, 1-based): chr7:150,950,152, G>A on the plus strand (C>T on the coding strand, the complement: KCNH2 is on the minus strand). VCF-style: chr7-150950152-G-A. GRCh37 (hg19) VCF-style: chr7-150647240-G-A.
Other names: c.1394C>T, p.Ala465Val (NM_001204798.2); c.2237C>T, p.Ala746Val (NM_001406755.1); c.2126C>T, p.Ala709Val (NM_001406756.1); c.2114C>T, p.Ala705Val (NM_001406757.1); c.2414C>T, p.Ala805Val (NM_172056.3); c.1378+16C>T (NM_172057.3); short protein forms A805V, A465V, A746V, A705V, A709V.
Identifiers: ClinVar variation 191543 (VCV000191543.15), dbSNP rs201873431, ClinGen allele CA006616.
Genomic context (GRCh38, chr7:150,950,152, plus strand): 5'-TGCATATTCAGAAGGCTCGCACCTCTTGAGGCTGCAGAGGGCATTTCCAGTCCAGTGCCC[G>A]CCCCCCACCCCATACCCAGGATGGCCACGACGACGTCGCCCCGCAGGATCTCGATGGAGC-3'

ClinVar aggregate classification (germline): Benign/Likely benign. Review status: criteria provided, multiple submitters, no conflicts (2 of 4 stars). 6 submissions from 6 submitters: Benign (1); Likely benign (5). Last evaluated 2026-01-27.

Conditions:
Cardiac arrhythmia. Also called: Arrhythmia; Cardiac rhythm disease. Identifiers: MedGen C0003811, MONDO:0007263, HP:0011675.
Long QT syndrome (LQTS). Identifiers: MedGen C0023976, MeSH D008133, MONDO:0002442. Disease mechanism: loss of function. Inheritance: Various modes of inheritance.
Long QT syndrome 2 (LQT2). Identifiers: Orphanet 101016, Orphanet 768, MedGen C3150943, MONDO:0013367, OMIM 613688.
Short QT syndrome type 1. Identifiers: Orphanet 51083, MedGen C1865020, MONDO:0012312, OMIM 609620.

Allele frequency attached by ClinVar (database versions not stated): gnomAD exomes 0.00011 and 0.00020; TOPMed 0.00018; gnomAD 0.00019 and 0.00022; ExAC 0.00031; ESP Exome Variant Server 0.00038.
gnomAD v4.1: 193 of 1,580,604 alleles (0.012%); highest among the groups gnomAD compares: African/African-American, 0.063%; 1 homozygote.

Submissions (6):

Labcorp Genetics (formerly Invitae), Labcorp
Classification: Likely benign for Long QT syndrome. Last evaluated: 2026-01-27. Review status: criteria provided, single submitter. Criteria: Invitae Variant Classification Sherloc (09022015). Collection method: clinical testing. Allele origin: germline.

Blueprint Genetics
Classification: Likely benign. Last evaluated: 2024-08-23. Review status: criteria provided, single submitter. Criteria: ACMG Guidelines, 2015. Collection method: clinical testing. Allele origin: germline.

Fulgent Genetics
Classification: Likely benign for Short QT syndrome type 1; Long QT syndrome 2. Last evaluated: 2021-09-14. Review status: criteria provided, single submitter. Criteria: ACMG Guidelines, 2015. Collection method: clinical testing. Allele origin: unknown.

Color Diagnostics, LLC DBA Color Health
Classification: Likely benign for Arrhythmia. Last evaluated: 2019-04-27. Review status: criteria provided, single submitter. Criteria: ACMG Guidelines, 2015. Collection method: clinical testing. Allele origin: germline.

GeneDx
Classification: Benign. Last evaluated: 2014-06-03. Review status: criteria provided, single submitter. Criteria: GeneDx Variant Classification (06012015). Collection method: clinical testing. Allele origin: germline. Affected: yes.
Comment: This variant is considered likely benign or benign based on one or more of the following criteria: it is a conservative change, it occurs at a poorly conserved position in the protein, it is predicted to be benign by multiple in silico algorithms, and/or has population frequency not consistent with disease.

Biesecker Lab/Clinical Genomics Section, National Institutes of Health
Classification: Likely benign. Last evaluated: 2013-06-24. Review status: criteria provided, single submitter. Criteria: Ng et al. (Circ Cardiovasc Genet. 2013). Collection method: research. Allele origin: unknown. Observed: 1 variant allele. Study: ClinSeq.
Comment: The study set was not selected for affection status in relation to any cancer. Pathogenicity categories were based on literature curation. See Pubmed ID:23861362 for details.

Medical sequencing